The following is an entry in ClinVar:

ClinVar aggregate classification (germline): Uncertain significance (1 of 4 stars; one submission).

Conditions:
Dyskeratosis congenita, autosomal dominant 2. Identifiers: MedGen C3151443, MONDO:0013521, OMIM 613989.
Idiopathic Pulmonary Fibrosis. Also called: Idiopathic fibrosing alveolitis, chronic form; idiopathic fibrosing alveolitis. Identifiers: Orphanet 2032, MedGen C1800706, MeSH D054990, MONDO:0800504.

Submission:

Labcorp Genetics (formerly Invitae), Labcorp
Classification: Uncertain significance for Dyskeratosis congenita, autosomal dominant 2; Idiopathic Pulmonary Fibrosis. Last evaluated: 2022-01-23. Review status: criteria provided, single submitter. Criteria: Invitae Variant Classification Sherloc (09022015). Collection method: clinical testing. Allele origin: germline.
Comment: This variant has not been reported in the literature in individuals affected with TERT-related conditions. In summary, the available evidence is currently insufficient to determine the role of this variant in disease. Therefore, it has been classified as a Variant of Uncertain Significance. Advanced modeling of protein sequence and biophysical properties (such as structural, functional, and spatial information, amino acid conservation, physicochemical variation, residue mobility, and thermodynamic stability) performed at Invitae indicates that this missense variant is expected to disrupt TERT protein function. This variant is not present in population databases (gnomAD no frequency). This sequence change replaces histidine, which is basic and polar, with arginine, which is basic and polar, at codon 412 of the TERT protein (p.His412Arg).

NM_198253.3(TERT):c.1235A>G (p.His412Arg)

Gene: TERT (telomerase reverse transcriptase; minus strand). Cytogenetic location: 5p15.33.
Variant type: single nucleotide variant.
Coding change: c.1235A>G on transcript NM_198253.3 (MANE Select); coding-DNA position 1235, A replaced by G.
Protein change: p.His412Arg; replaces histidine 412 with arginine.
Molecular consequence: missense variant. On other transcripts: non-coding transcript variant (2).
Genome position (GRCh38, 1-based): chr5:1,293,651, T>C on the plus strand (A>G on the coding strand, the complement: TERT is on the minus strand). VCF-style: chr5-1293651-T-C. GRCh37 (hg19) VCF-style: chr5-1293766-T-C.
Other names: c.1235A>G, p.His412Arg (NM_001193376.3, NM_003219.1); short protein forms H412R.
Identifiers: ClinVar variation 2089189 (VCV002089189.4), dbSNP rs2478412816, ClinGen allele CA359086467.
Genomic context (GRCh38, chr5:1,293,651, plus strand): 5'-TGGGGCTTCTCCCGGGCACAGACACCGGCTGCTGGGGTGACCGCAGCTCGCAGCGGGCAG[T>C]GCGTCTTGAGGAGCACCCCGTAGGGGCACTGCGCGTGGTTCCCAAGCAGCTCCAGAAACA-3'
Protein context (NP_937983.2, residues 402-422): QCPYGVLLKT[His412Arg]CPLRAAVTPA